The following is an entry in ClinVar:

NM_000186.4(CFH):c.2120del (p.Pro707fs)

Gene: CFH (complement factor H; plus strand). Cytogenetic location: 1q31.3.
Variant type: Deletion.
Coding change: c.2120del on transcript NM_000186.4 (MANE Select); coding-DNA position 2120, one base deleted (C; older notation c.2120delC).
Protein change: p.Pro707fs; shifts the reading frame from proline 707.
Molecular consequence: frameshift variant.
Genome position (GRCh38, 1-based): chr1:196,726,824, C deleted; the last of 4 consecutive C bases (chr1:196,726,821-196,726,824); deleting any one gives the same sequence. VCF-style (leftmost placement, unchanged base first): chr1-196726820-TC-T. GRCh37 (hg19) VCF-style: chr1-196695950-TC-T.
Other names: short protein forms P707fs.
Identifiers: ClinVar variation 4291449 (VCV004291449.2).

ClinVar aggregate classification (germline): Pathogenic (1 of 4 stars; one submission).

Conditions:
Atypical hemolytic-uremic syndrome. Identifiers: Orphanet 2134, MedGen C2931788, MONDO:0016244.
Factor H deficiency (CFHD). Also called: COMPLEMENT FACTOR H DEFICIENCY; CFH DEFICIENCY. Identifiers: Orphanet 200421, MedGen C0398777, MONDO:0012350, OMIM 609814.

Submission:

Genomenon, Inc
Classification: Pathogenic for Atypical hemolytic-uremic syndrome; Factor H deficiency. Last evaluated: 2026-09-17. Review status: criteria provided, single submitter. Criteria: Genomenon Sequence Variant Interpretation Standards - Updated. Collection method: curation. Allele origin: germline. Affected: yes.
Comment: CFH p.Pro707LeufsTer19 (c.2120del) is a frameshift variant that is predicted to introduce a premature termination codon and result in a truncated or absent protein product. This variant has been observed in at least one proband affected with a CFH-related disorder (PMID: 29888403; 26111482). It is absent or not present at a significant frequency in gnomAD. In conclusion, we classify CFH p.Pro707LeufsTer19 (c.2120del) as a pathogenic variant.

Literature cited by the submitters: PubMed 29888403; PubMed 26111482.